The following is an entry in ClinVar:

NM_001267550.2(TTN):c.45599C>G (p.Ala15200Gly)

Genes: TTN (titin; minus strand), LOC126806427 (BRD4-independent group 4 enhancer GRCh37_chr2:179485777-179486976; plus strand). Cytogenetic location: 2q31.2.
Variant type: single nucleotide variant.
Coding change: c.45599C>G on transcript NM_001267550.2 (MANE Select); coding-DNA position 45599, C replaced by G.
Protein change: p.Ala15200Gly; replaces alanine 15200 with glycine.
Molecular consequence: missense variant.
Genome position (GRCh38, 1-based): chr2:178,621,119, G>C on the plus strand (C>G on the coding strand, the complement: TTN is on the minus strand). VCF-style: chr2-178621119-G-C. GRCh37 (hg19) VCF-style: chr2-179485846-G-C.
Other names: p.A13559G:GCT>GGT; c.40676C>G, p.Ala13559Gly (NM_001256850.1); c.18404C>G, p.Ala6135Gly (NM_003319.4); c.37895C>G, p.Ala12632Gly (NM_133378.4); c.18779C>G, p.Ala6260Gly (NM_133432.3); c.18980C>G, p.Ala6327Gly (NM_133437.4); short protein forms A15200G, A12632G, A13559G, A6135G, A6260G, A6327G.
Identifiers: ClinVar variation 46991 (VCV000046991.79), dbSNP rs201057307, ClinGen allele CA248648.
Genomic context (GRCh38, chr2:178,621,119, plus strand): 5'-CAAACAAACAAACAAAAAACCCTAAAAGCAAGAACAAACTTACCAATGACTGTCAAGTGA[G>C]CTGCTGCTCTGGCGGCCCCTACCATGACAACGTAAGTGCCCATATCTTGTAATGTGGCAT-3'
Protein context (NP_001254479.2, residues 15190-15210): VVMVGAARAA[Ala15200Gly]HLTVIEKLRI

ClinVar aggregate classification (germline): Conflicting classifications of pathogenicity. Review status: criteria provided, conflicting classifications (1 of 4 stars). 22 submissions from 18 submitters: Uncertain significance (6); Benign (10); Likely benign (4). 2 of the submissions do not count toward it. Last evaluated 2026-09-21.

Conditions:
TTN-related disorder. Also called: TTN-related disorders; TTN-related condition; TTN-related disease.
Cardiovascular phenotype. Identifiers: MedGen CN230736.
Dilated cardiomyopathy 1G (CMD1G). Identifiers: Orphanet 154, MedGen C1858763, MONDO:0011400, OMIM 604145.
Autosomal recessive limb-girdle muscular dystrophy type 2J (LGMDR10). Also called: MUSCULAR DYSTROPHY, LIMB-GIRDLE, AUTOSOMAL RECESSIVE 10; Limb-girdle muscular dystrophy, type 2J. Identifiers: Orphanet 140922, MedGen C1837342, MONDO:0012127, OMIM 608807.
Cardiomyopathy (CMYO). Also called: Cardiomyopathies. Identifiers: Orphanet 167848, MedGen C0878544, MONDO:0004994, HP:0001638. Inheritance: Various modes of inheritance.
Early-onset myopathy with fatal cardiomyopathy (CMYO5). Also called: CONGENITAL MYOPATHY 5 WITH CARDIOMYOPATHY; Salih Myopathy. Identifiers: Orphanet 289377, MedGen C2673677, MONDO:0012714, OMIM 611705. Disease mechanism: loss of function.
Myopathy, myofibrillar, 9, with early respiratory failure (MFM9). Also called: Myopathy, distal, with early respiratory failure, autosomal dominant; Hereditary myopathy with early respiratory failure; MYOPATHY, PROXIMAL, WITH EARLY RESPIRATORY MUSCLE INVOLVEMENT; EDSTROM MYOPATHY. Identifiers: Orphanet 178464, Orphanet 34521, MedGen C1863599, MONDO:0011362, OMIM 603689.
Tibial muscular dystrophy (TMD). Also called: Udd Distal Myopathy – Tibial Muscular Dystrophy; Tibial muscular dystrophy, tardive; UDD MYOPATHY. Identifiers: Orphanet 609, MedGen C1838244, MONDO:0010870, OMIM 600334.

Allele frequency attached by ClinVar (database versions not stated): gnomAD 0.00033 and 0.00030; gnomAD exomes 0.00032 and 0.00059; TOPMed 0.00039; ExAC 0.00043; ESP Exome Variant Server 0.00066.
gnomAD v4.1: 551 of 1,612,210 alleles (0.034%); highest among the groups gnomAD compares: Middle Eastern, 0.12%; 1 homozygote.

Submissions 1 to 15 of 24:

Molecular Diagnostic Laboratory for Inherited Cardiovascular Disease, Montreal Heart Institute
Classification: Likely benign. Last evaluated: 2026-09-21. Review status: criteria provided, single submitter. Criteria: ACMG Guidelines, 2015. Collection method: clinical testing. Allele origin: germline. Affected: no.

CeGaT Center for Human Genetics Tuebingen
Classification: Benign. Last evaluated: 2026-08-01. Review status: criteria provided, single submitter. Criteria: CeGaT Center For Human Genetics Tuebingen Variant Classification Criteria Version 2. Collection method: clinical testing. Allele origin: germline. Affected: yes. Observed: 16 variant alleles.
Comment: TTN: BP4, BS1, BS2

Labcorp Genetics (formerly Invitae), Labcorp
Classification: Benign for Dilated cardiomyopathy 1G; Autosomal recessive limb-girdle muscular dystrophy type 2J. Last evaluated: 2026-02-03. Review status: criteria provided, single submitter. Criteria: Invitae Variant Classification Sherloc (09022015). Collection method: clinical testing. Allele origin: germline.

Blueprint Genetics
Classification: Likely benign. Last evaluated: 2024-11-12. Review status: criteria provided, single submitter. Criteria: ACMG Guidelines, 2015. Collection method: clinical testing. Allele origin: germline.

Athena Diagnostics
Classification: Benign. Last evaluated: 2024-05-23. Review status: criteria provided, single submitter. Criteria: Athena Diagnostics Criteria. Collection method: clinical testing. Allele origin: unknown.

Laboratory for Molecular Medicine, Mass General Brigham Personalized Medicine
Classification: Uncertain significance. Last evaluated: 2023-07-07. Review status: criteria provided, single submitter. Criteria: ACMG Guidelines, 2015. Collection method: clinical testing. Allele origin: germline.
Comment: The p.Ala12632Gly variant in TTN has been reported in one heterozygous individual with hypertrophic cardiomyopathy and one compound heterozygous individual with myopathy (Lopes 2013 PMID: 23396983, Dabby 2015 PMID: 25772186). It has also been identified in 0.95% (33/3464) of Ashkenazi Jewish chromosomes and 0.016% (11/67906) of European chromosomes by gnomAD. This variant has also been reported in ClinVar (Variation ID 46991). Computational prediction tools and conservation analyses suggest that this variant may impact the protein, though this information is not predictive enough to determine pathogenicity. In summary, while the clinical significance of this variant is uncertain, these data suggest that it is more likely to be benign. ACMG/AMP Criteria applied: BS2_P, PP3.

Women's Health and Genetics/Laboratory Corporation of America, LabCorp
Classification: Benign. Last evaluated: 2023-05-18. Review status: criteria provided, single submitter. Criteria: LabCorp Variant Classification Summary - May 2015. Collection method: clinical testing. Allele origin: germline.
Comment: Variant summary: TTN c.37895C>G (p.Ala12632Gly) results in a non-conservative amino acid change located in the I-band region of the encoded protein sequence. Three of five in-silico tools predict a benign effect of the variant on protein function. The variant allele was found at a frequency of 0.00059 in 247242 control chromosomes (gnomAD). The observed variant frequency is approximately equal to the estimated maximal expected allele frequency for a pathogenic variant in TTN causing Dilated Cardiomyopathy phenotype (0.00039) and within the Ashkenazi Jewish subpopulation it is seen at a frequency of 0.012, strongly suggesting that the variant is benign. c.37895C>G has been reported in the literature in settings of whole exome sequencing and multigene panel testing as a VUS in the heterozygous state in an individual affected with hypertrophic cardiomyopathy, and as a compound heterozygous genotype in two individuals with a myopathy phenotype without strong evidence for causality (e.g. Lopes_2013, Dabby_2015 Punetha_2016). Therefore, these reports do not provide unequivocal conclusions about association of the variant with disease. Additionally, a co-occurrence with a pathogenic variant has been observed (TTR c.148G>A, p.Val50Met; internal data), providing supporting evidence for a benign role. To our knowledge, no experimental evidence demonstrating an impact on protein function has been reported. The following publications have been ascertained in the context of this evaluation (PMID: 25772186, 23396983, 27854218). Eleven submitters have provided clinical-significance assessments for this variant to ClinVar after 2014 and classified the variant as either benign (n=7)/likely benign (1) or VUS (n=3). Based on the evidence outlined above, the variant was classified as benign.

CHEO Genetics Diagnostic Laboratory, Children's Hospital of Eastern Ontario
Classification: Benign for Cardiomyopathy. Last evaluated: 2021-06-10. Review status: criteria provided, single submitter. Criteria: ACMG Guidelines, 2015. Collection method: clinical testing. Allele origin: germline.

GeneDx
Classification: Likely benign. Last evaluated: 2020-10-15. Review status: criteria provided, single submitter. Criteria: GeneDx Variant Classification Process June 2021. Collection method: clinical testing. Allele origin: germline. Affected: yes.
Comment: This variant is associated with the following publications: (PMID: 27854229, 27854218, 25772186, 23861362, 23396983)

Mendelics
Classification: Benign for Dilated cardiomyopathy 1G. Last evaluated: 2019-05-28. Review status: criteria provided, single submitter. Criteria: Mendelics Assertion Criteria 2017. Collection method: clinical testing. Allele origin: unknown.

Illumina Laboratory Services, Illumina
Classification: Uncertain significance for Autosomal recessive limb-girdle muscular dystrophy type 2J. Last evaluated: 2018-01-12. Review status: criteria provided, single submitter. Criteria: ICSL Variant Classification Criteria 13 December 2019. Collection method: clinical testing. Allele origin: germline.

Illumina Laboratory Services, Illumina
Classification: Benign for Myopathy, myofibrillar, 9, with early respiratory failure. Last evaluated: 2018-01-12. Review status: criteria provided, single submitter. Criteria: ICSL Variant Classification Criteria 13 December 2019. Collection method: clinical testing. Allele origin: germline.
Comment: This variant was observed in the ICSL laboratory as part of a predisposition screen in an ostensibly healthy population. It had not been previously curated by ICSL or reported in the Human Gene Mutation Database (HGMD: prior to June 1st, 2018), and was therefore a candidate for classification through an automated scoring system. Utilizing variant allele frequency, disease prevalence and penetrance estimates, and inheritance mode, an automated score was calculated to assess if this variant is too frequent to cause the disease. Based on the score and internal cut-off values, a variant classified as benign is not then subjected to further curation. The score for this variant resulted in a classification of benign for this disease.

Illumina Laboratory Services, Illumina
Classification: Benign for Tibial muscular dystrophy. Last evaluated: 2018-01-12. Review status: criteria provided, single submitter. Criteria: ICSL Variant Classification Criteria 13 December 2019. Collection method: clinical testing. Allele origin: germline.
Comment: the same text as in the submission from Illumina Laboratory Services, Illumina above.

Illumina Laboratory Services, Illumina
Classification: Uncertain significance for Dilated cardiomyopathy 1G. Last evaluated: 2018-01-12. Review status: criteria provided, single submitter. Criteria: ICSL Variant Classification Criteria 13 December 2019. Collection method: clinical testing. Allele origin: germline.

Illumina Laboratory Services, Illumina
Classification: Uncertain significance for Early-onset myopathy with fatal cardiomyopathy. Last evaluated: 2018-01-12. Review status: criteria provided, single submitter. Criteria: ICSL Variant Classification Criteria 13 December 2019. Collection method: clinical testing. Allele origin: germline.